The following is an entry in ClinVar:

NM_005559.4(LAMA1):c.7832C>T (p.Thr2611Ile)

Gene: LAMA1 (laminin subunit alpha 1; minus strand). Cytogenetic location: 18p11.31.
Variant type: single nucleotide variant.
Coding change: c.7832C>T on transcript NM_005559.4 (MANE Select); coding-DNA position 7832, C replaced by T.
Protein change: p.Thr2611Ile; replaces threonine 2611 with isoleucine.
Molecular consequence: missense variant.
Genome position (GRCh38, 1-based): chr18:6,958,609, G>A on the plus strand (C>T on the coding strand, the complement: LAMA1 is on the minus strand). VCF-style: chr18-6958609-G-A. GRCh37 (hg19) VCF-style: chr18-6958608-G-A.
Other names: short protein forms T2611I.
Identifiers: ClinVar variation 1803475 (VCV001803475.1), dbSNP rs2510824887, ClinGen allele CA401843473.

ClinVar aggregate classification (germline): Uncertain significance (1 of 4 stars; one submission).

Submission:

GeneDx
Classification: Uncertain significance. Last evaluated: 2022-06-10. Review status: criteria provided, single submitter. Criteria: GeneDx Variant Classification Process June 2021. Collection method: clinical testing. Allele origin: germline. Affected: yes.
Comment: Not observed at significant frequency in large population cohorts (gnomAD); In silico analysis supports that this missense variant does not alter protein structure/function; Has not been previously published as pathogenic or benign to our knowledge